The following is an entry in ClinVar:

ClinVar aggregate classification (germline): Conflicting classifications of pathogenicity. Review status: criteria provided, conflicting classifications (1 of 4 stars). 4 submissions from 4 submitters: Uncertain significance (1); Likely benign (2). 1 of the submissions does not count toward it. Last evaluated 2026-01-21.

Conditions:
PKD1L1-related disorder. Also called: PKD1L1-related condition.

Allele frequency attached by ClinVar (database versions not stated): gnomAD exomes 0.00013 and 0.00037; ExAC 0.00053; 1000 Genomes Project 0.00140; 1000 Genomes Project 30x 0.00141; gnomAD 0.00152 and 0.00163; TOPMed 0.00171; ESP Exome Variant Server 0.00238.
gnomAD v4.1: 434 of 1,608,586 alleles (0.027%); highest among the groups gnomAD compares: African/African-American, 0.51%; no homozygotes.

Submissions (4):

Labcorp Genetics (formerly Invitae), Labcorp
Classification: Likely benign. Last evaluated: 2026-01-21. Review status: criteria provided, single submitter. Criteria: Invitae Variant Classification Sherloc (09022015). Collection method: clinical testing. Allele origin: germline.

Blueprint Genetics
Classification: Likely benign. Last evaluated: 2024-07-04. Review status: criteria provided, single submitter. Criteria: ACMG Guidelines, 2015. Collection method: clinical testing. Allele origin: germline.

GeneDx
Classification: Uncertain significance. Last evaluated: 2020-01-09. Review status: criteria provided, single submitter. Criteria: GeneDx Variant Classification Process June 2021. Collection method: clinical testing. Allele origin: germline. Affected: yes.
Comment: In silico analysis, which includes protein predictors and evolutionary conservation, supports a deleterious effect; Has not been previously published as pathogenic or benign to our knowledge

PreventionGenetics, part of Exact Sciences
Classification: Likely benign for PKD1L1-related condition. Last evaluated: 2021-07-22. Review status: no assertion criteria provided. Collection method: clinical testing. Allele origin: germline. Not counted in ClinVar's aggregate classification.
Comment: This variant is classified as likely benign based on ACMG/AMP sequence variant interpretation guidelines (Richards et al. 2015 PMID: 25741868, with internal and published modifications).

NM_138295.5(PKD1L1):c.3475T>C (p.Tyr1159His)

Gene: PKD1L1 (polycystin 1 like 1, transient receptor potential channel interacting; minus strand). Cytogenetic location: 7p12.3.
Variant type: single nucleotide variant.
Coding change: c.3475T>C on transcript NM_138295.5 (MANE Select); coding-DNA position 3475, T replaced by C.
Protein change: p.Tyr1159His; replaces tyrosine 1159 with histidine.
Molecular consequence: missense variant.
Genome position (GRCh38, 1-based): chr7:47,880,773, A>G on the plus strand (T>C on the coding strand, the complement: PKD1L1 is on the minus strand). VCF-style: chr7-47880773-A-G. GRCh37 (hg19) VCF-style: chr7-47920371-A-G.
Other names: short protein forms Y1159H.
Identifiers: ClinVar variation 791285 (VCV000791285.13), dbSNP rs111983425, ClinGen allele CA4253415.
Genomic context (GRCh38, chr7:47,880,773, plus strand): 5'-GACAATGTAACATACCCACAGACACTTGCAGGACGTACGTCTCTCCACTGCTCAGAGAGT[A>G]TGGCTTGATTGTCACTGTCTGTTCTGTAATACCTGCAGAAAAGACATGGCTGCATGGAAA-3'
Protein context (NP_612152.1, residues 1149-1169): ITEQTVTIKP[Tyr1159His]SLSSGETYVL